The following is an entry in ClinVar:

NM_000493.4(COL10A1):c.382G>A (p.Asp128Asn)

Genes: COL10A1 (collagen type X alpha 1 chain; minus strand), NT5DC1 (5'-nucleotidase domain containing 1; plus strand). Cytogenetic location: 6q22.1.
Variant type: single nucleotide variant.
Coding change: c.382G>A on transcript NM_000493.4 (MANE Select); coding-DNA position 382, G replaced by A.
Protein change: p.Asp128Asn; replaces aspartic acid 128 with asparagine.
Molecular consequence: missense variant. On other transcripts: intron variant (1).
Genome position (GRCh38, 1-based): chr6:116,121,734, C>T on the plus strand (G>A on the coding strand, the complement: COL10A1 is on the minus strand). VCF-style: chr6-116121734-C-T. GRCh37 (hg19) VCF-style: chr6-116442897-C-T.
Other names: c.382G>A, p.Asp128Asn (NM_001424106.1, NM_001424107.1); c.529+3789C>T (NM_152729.3); short protein forms D128N.
Identifiers: ClinVar variation 355107 (VCV000355107.18), dbSNP rs142463796, ClinGen allele CA3968411.

ClinVar aggregate classification (germline): Benign/Likely benign. Review status: criteria provided, multiple submitters, no conflicts (2 of 4 stars). 5 submissions from 5 submitters: Benign (3); Likely benign (1). 1 of the submissions does not count toward it. Last evaluated 2026-05-11.

Conditions:
Metaphyseal chondrodysplasia, Schmid type (MCDS). Also called: SPONDYLOMETAPHYSEAL DYSPLASIA, JAPANESE TYPE. Identifiers: Orphanet 174, MedGen C0265289, MONDO:0007983, OMIM 156500.
COL10A1-related disorder. Also called: COL10A1-related condition.

Allele frequency attached by ClinVar (database versions not stated): TOPMed 0.00149; gnomAD exomes 0.00685; 1000 Genomes Project 30x 0.00921; ESP Exome Variant Server 0.00069; ExAC 0.00729; gnomAD 0.00121 and 0.00257; 1000 Genomes Project 0.00899.
gnomAD v4.1: 5,544 of 1,614,006 alleles (0.34%); highest among the groups gnomAD compares: South Asian, 4.1%; 134 homozygotes.

Submissions (5):

Women's Health and Genetics/Laboratory Corporation of America, LabCorp
Classification: Likely benign. Last evaluated: 2026-05-11. Review status: criteria provided, single submitter. Criteria: LabCorp Variant Classification Summary - May 2015. Collection method: clinical testing. Allele origin: germline.

Labcorp Genetics (formerly Invitae), Labcorp
Classification: Benign. Last evaluated: 2026-02-01. Review status: criteria provided, single submitter. Criteria: Invitae Variant Classification Sherloc (09022015). Collection method: clinical testing. Allele origin: germline.

ARUP Laboratories, Molecular Genetics and Genomics, ARUP Laboratories
Classification: Benign. Last evaluated: 2023-11-11. Review status: criteria provided, single submitter. Criteria: ARUP Molecular Germline Variant Investigation Process 2024. Collection method: clinical testing. Allele origin: germline.

Illumina Laboratory Services, Illumina
Classification: Benign for Metaphyseal chondrodysplasia, Schmid type. Last evaluated: 2018-01-13. Review status: criteria provided, single submitter. Criteria: ICSL Variant Classification Criteria 13 December 2019. Collection method: clinical testing. Allele origin: germline.
Comment: This variant was observed in the ICSL laboratory as part of a predisposition screen in an ostensibly healthy population. It had not been previously curated by ICSL or reported in the Human Gene Mutation Database (HGMD: prior to June 1st, 2018), and was therefore a candidate for classification through an automated scoring system. Utilizing variant allele frequency, disease prevalence and penetrance estimates, and inheritance mode, an automated score was calculated to assess if this variant is too frequent to cause the disease. Based on the score and internal cut-off values, a variant classified as benign is not then subjected to further curation. The score for this variant resulted in a classification of benign for this disease.

PreventionGenetics, part of Exact Sciences
Classification: Benign for COL10A1-related condition. Last evaluated: 2019-02-19. Review status: no assertion criteria provided. Collection method: clinical testing. Allele origin: germline. Not counted in ClinVar's aggregate classification.
Comment: This variant is classified as benign based on ACMG/AMP sequence variant interpretation guidelines (Richards et al. 2015 PMID: 25741868, with internal and published modifications).